The following is an entry in ClinVar:

ClinVar aggregate classification (germline): Uncertain significance (1 of 4 stars; one submission).

Conditions:
Congenital contractural arachnodactyly (CCA). Also called: BEALS SYNDROME; Arthrogryposis, distal, type 9; Beals-Hecht syndrome. Identifiers: Orphanet 115, MedGen C0220668, MONDO:0007363, OMIM 121050.

gnomAD v4.1: 3 of 1,613,888 alleles (0.00019%); highest among the groups gnomAD compares: East Asian, 0.0045%; no homozygotes.

Submission:

Labcorp Genetics (formerly Invitae), Labcorp
Classification: Uncertain significance for Congenital contractural arachnodactyly. Last evaluated: 2025-03-27. Review status: criteria provided, single submitter. Criteria: Invitae Variant Classification Sherloc (09022015). Collection method: clinical testing. Allele origin: germline.
Comment: This sequence change replaces glutamic acid, which is acidic and polar, with lysine, which is basic and polar, at codon 2452 of the FBN2 protein (p.Glu2452Lys). This variant is not present in population databases (gnomAD no frequency). This variant has not been reported in the literature in individuals affected with FBN2-related conditions. Invitae Evidence Modeling of protein sequence and biophysical properties (such as structural, functional, and spatial information, amino acid conservation, physicochemical variation, residue mobility, and thermodynamic stability) has been performed for this missense variant. However, the output from this modeling did not meet the statistical confidence thresholds required to predict the impact of this variant on FBN2 protein function. In summary, the available evidence is currently insufficient to determine the role of this variant in disease. Therefore, it has been classified as a Variant of Uncertain Significance.

NM_001999.4(FBN2):c.7354G>A (p.Glu2452Lys)

Gene: FBN2 (fibrillin 2; minus strand). Cytogenetic location: 5q23.3.
Variant type: single nucleotide variant.
Coding change: c.7354G>A on transcript NM_001999.4 (MANE Select); coding-DNA position 7354, G replaced by A.
Protein change: p.Glu2452Lys; replaces glutamic acid 2452 with lysine.
Molecular consequence: missense variant.
Genome position (GRCh38, 1-based): chr5:128,277,997, C>T on the plus strand (G>A on the coding strand, the complement: FBN2 is on the minus strand). VCF-style: chr5-128277997-C-T. GRCh37 (hg19) VCF-style: chr5-127613689-C-T.
Other names: short protein forms E2452K.
Identifiers: ClinVar variation 4771219 (VCV004771219.1).